The following is an entry in ClinVar:

NM_006080.3(SEMA3A):c.2160G>A (p.Glu720=)

Gene: SEMA3A (semaphorin 3A; minus strand). Cytogenetic location: 7q21.11.
Variant type: single nucleotide variant.
Coding change: c.2160G>A on transcript NM_006080.3 (MANE Select); coding-DNA position 2160, G replaced by A.
Protein change: p.Glu720=; no amino-acid change (glutamic acid 720 retained).
Molecular consequence: synonymous variant.
Genome position (GRCh38, 1-based): chr7:83,961,527, C>T on the plus strand (G>A on the coding strand, the complement: SEMA3A is on the minus strand). VCF-style: chr7-83961527-C-T. GRCh37 (hg19) VCF-style: chr7-83590843-C-T.
Identifiers: ClinVar variation 743998 (VCV000743998.5), dbSNP rs114039303, ClinGen allele CA4322533.
Genomic context (GRCh38, chr7:83,961,527, plus strand): 5'-GGTATGTCCTGGCCTTTGCCGACGTTGTTTTCGGTCCCTTTTCCAAACTTGTTCACAGAA[C>T]TCATCCATTGTGTTGAGATTGGGGTGGTTGATGAGCTGCATGAAGTCTCTGTACCAGACC-3'
Protein context (NP_006071.1, residues 710-730): INHPNLNTMD[Glu720=]FCEQVWKRDR

ClinVar aggregate classification (germline): Likely benign. Review status: criteria provided, single submitter (1 of 4 stars). 2 submissions from 2 submitters: Likely benign (1). 1 of the submissions does not count toward it. Last evaluated 2018-05-02.

Conditions:
SEMA3A-related disorder. Also called: SEMA3A-related condition.

Allele frequency attached by ClinVar (database versions not stated): gnomAD exomes 0.00004 and 0.00009; ExAC 0.00012; ESP Exome Variant Server 0.00031; gnomAD 0.00048; TOPMed 0.00050; 1000 Genomes Project 0.00060; 1000 Genomes Project 30x 0.00062.
gnomAD v4.1: 134 of 1,614,106 alleles (0.0083%); highest among the groups gnomAD compares: African/African-American, 0.16%; no homozygotes.

Submissions (2):

Labcorp Genetics (formerly Invitae), Labcorp
Classification: Likely benign. Last evaluated: 2018-05-02. Review status: criteria provided, single submitter. Criteria: Invitae Variant Classification Sherloc (09022015). Collection method: clinical testing. Allele origin: germline.

PreventionGenetics, part of Exact Sciences
Classification: Likely benign for SEMA3A-related condition. Last evaluated: 2021-12-16. Review status: no assertion criteria provided. Collection method: clinical testing. Allele origin: germline. Not counted in ClinVar's aggregate classification.
Comment: This variant is classified as likely benign based on ACMG/AMP sequence variant interpretation guidelines (Richards et al. 2015 PMID: 25741868, with internal and published modifications).